The following is an entry in ClinVar:

ClinVar aggregate classification (germline): Uncertain significance (1 of 4 stars; one submission).

Conditions:
Inborn genetic diseases. Identifiers: MedGen C0950123, MeSH D030342.

gnomAD v4.1: 1 of 1,613,704 alleles (0.000062%); highest among the groups gnomAD compares: Non-Finnish European, 0.000085%; no homozygotes.

Submission:

Ambry Genetics
Classification: Uncertain significance for Inborn genetic diseases. Last evaluated: 2025-04-17. Review status: criteria provided, single submitter. Criteria: Ambry Variant Classification Scheme 2023. Collection method: clinical testing. Allele origin: germline.
Comment: The p.N1468D variant (also known as c.4402A>G), located in coding exon 30 of the ANKRD26 gene, results from an A to G substitution at nucleotide position 4402. The asparagine at codon 1468 is replaced by aspartic acid, an amino acid with highly similar properties. This amino acid position is conserved. In addition, this alteration is predicted to be tolerated by in silico analysis. Based on the available evidence, the clinical significance of this variant remains unclear.

NM_014915.3(ANKRD26):c.4402A>G (p.Asn1468Asp)

Gene: ANKRD26 (ankyrin repeat domain containing 26; minus strand). Cytogenetic location: 10p12.1.
Variant type: single nucleotide variant.
Coding change: c.4402A>G on transcript NM_014915.3 (MANE Select); coding-DNA position 4402, A replaced by G.
Protein change: p.Asn1468Asp; replaces asparagine 1468 with aspartic acid.
Molecular consequence: missense variant.
Genome position (GRCh38, 1-based): chr10:27,017,606, T>C on the plus strand (A>G on the coding strand, the complement: ANKRD26 is on the minus strand). VCF-style: chr10-27017606-T-C. GRCh37 (hg19) VCF-style: chr10-27306535-T-C.
Other names: c.4399A>G, p.Asn1467Asp (NM_001256053.2); short protein forms N1467D, N1468D.
Identifiers: ClinVar variation 3913766 (VCV003913766.1).